The following is an entry in ClinVar:

NM_001711.6(BGN):c.237G>A (p.Leu79=)

Gene: BGN (biglycan; plus strand). Cytogenetic location: Xq28.
Variant type: single nucleotide variant.
Coding change: c.237G>A on transcript NM_001711.6 (MANE Select); coding-DNA position 237, G replaced by A.
Protein change: p.Leu79=; no amino-acid change (leucine 79 retained).
Molecular consequence: synonymous variant.
Genome position (GRCh38, 1-based): chrX:153,504,868, G>A. VCF-style: chrX-153504868-G-A. GRCh37 (hg19) VCF-style: chrX-152770326-G-A.
Other names: c.237G>A (NM_001711.4).
Identifiers: ClinVar variation 1380642 (VCV001380642.9), dbSNP rs1164015835, ClinGen allele CA519190460.

ClinVar aggregate classification (germline): Conflicting classifications of pathogenicity. Review status: criteria provided, conflicting classifications (1 of 4 stars). 2 submissions from 2 submitters: Uncertain significance (1); Likely benign (1). Last evaluated 2025-09-17.

Conditions:
Cardiovascular phenotype. Identifiers: MedGen CN230736.

Allele frequency attached by ClinVar (database versions not stated): gnomAD exomes 0.00001; gnomAD 0.00002; TOPMed 0.00002.

Submissions (2):

Labcorp Genetics (formerly Invitae), Labcorp
Classification: Uncertain significance. Last evaluated: 2025-09-17. Review status: criteria provided, single submitter. Criteria: Invitae Variant Classification Sherloc (09022015). Collection method: clinical testing. Allele origin: germline.
Comment: This sequence change affects codon 79 of the BGN mRNA. It is a 'silent' change, meaning that it does not change the encoded amino acid sequence of the BGN protein. It affects a nucleotide within the consensus splice site. This variant is not present in population databases (gnomAD no frequency). This variant has not been reported in the literature in individuals affected with BGN-related conditions. ClinVar contains an entry for this variant (Variation ID: 1380642). Algorithms developed to predict the effect of sequence changes on RNA splicing suggest that this variant is not likely to affect RNA splicing. In summary, the available evidence is currently insufficient to determine the role of this variant in disease. Therefore, it has been classified as a Variant of Uncertain Significance.

Ambry Genetics
Classification: Likely benign for Cardiovascular phenotype. Last evaluated: 2024-03-04. Review status: criteria provided, single submitter. Criteria: Ambry Variant Classification Scheme 2023. Collection method: clinical testing. Allele origin: germline.